The following is an entry in ClinVar:

NM_019066.5(MAGEL2):c.2228G>A (p.Arg743Lys)

Gene: MAGEL2 (MAGE family member L2; minus strand). Cytogenetic location: 15q11.2.
Variant type: single nucleotide variant.
Coding change: c.2228G>A on transcript NM_019066.5 (MANE Select); coding-DNA position 2228, G replaced by A.
Protein change: p.Arg743Lys; replaces arginine 743 with lysine.
Molecular consequence: missense variant.
Genome position (GRCh38, 1-based): chr15:23,645,515, C>T on the plus strand (G>A on the coding strand, the complement: MAGEL2 is on the minus strand). VCF-style: chr15-23645515-C-T. GRCh37 (hg19) VCF-style: chr15-23890662-C-T.
Other names: short protein forms R743K.
Identifiers: ClinVar variation 2551047 (VCV002551047.4), dbSNP rs769390522, ClinGen allele CA7429934.

ClinVar aggregate classification (germline): Conflicting classifications of pathogenicity. Review status: criteria provided, conflicting classifications (1 of 4 stars). 3 submissions from 3 submitters: Uncertain significance (1); Likely benign (2). Last evaluated 2025-07-14.

Conditions:
Inborn genetic diseases. Identifiers: MedGen C0950123, MeSH D030342.

Allele frequency attached by ClinVar (database versions not stated): ExAC 0.00001; gnomAD 0.00003; TOPMed 0.00006; gnomAD exomes 0.00007.
gnomAD v4.1: 110 of 1,613,742 alleles (0.0068%); highest among the groups gnomAD compares: Non-Finnish European, 0.0085%; no homozygotes.

Submissions (3):

Labcorp Genetics (formerly Invitae), Labcorp
Classification: Uncertain significance. Last evaluated: 2025-07-14. Review status: criteria provided, single submitter. Criteria: Invitae Variant Classification Sherloc (09022015). Collection method: clinical testing. Allele origin: germline.
Comment: This sequence change replaces arginine, which is basic and polar, with lysine, which is basic and polar, at codon 743 of the MAGEL2 protein (p.Arg743Lys). This variant is present in population databases (rs769390522, gnomAD 0.007%). This variant has not been reported in the literature in individuals affected with MAGEL2-related conditions. ClinVar contains an entry for this variant (Variation ID: 2551047). Invitae Evidence Modeling of protein sequence and biophysical properties (such as structural, functional, and spatial information, amino acid conservation, physicochemical variation, residue mobility, and thermodynamic stability) indicates that this missense variant is not expected to disrupt MAGEL2 protein function with a negative predictive value of 80%. In summary, the available evidence is currently insufficient to determine the role of this variant in disease. Therefore, it has been classified as a Variant of Uncertain Significance.

Blueprint Genetics
Classification: Likely benign. Last evaluated: 2023-07-07. Review status: criteria provided, single submitter. Criteria: ACMG Guidelines, 2015. Collection method: clinical testing. Allele origin: germline.

Ambry Genetics
Classification: Likely benign for Inborn genetic diseases. Last evaluated: 2023-05-24. Review status: criteria provided, single submitter. Criteria: Ambry Variant Classification Scheme 2023. Collection method: clinical testing. Allele origin: germline.